The following is an entry in ClinVar:

NM_001042492.3(NF1):c.5269-3C>G

Gene: NF1 (neurofibromin 1; plus strand). Cytogenetic location: 17q11.2.
Variant type: single nucleotide variant.
Coding change: c.5269-3C>G on transcript NM_001042492.3 (MANE Select); 3 bases into the intron before coding-DNA position 5269, C replaced by G.
Molecular consequence: intron variant.
Genome position (GRCh38, 1-based): chr17:31,327,496, C>G. VCF-style: chr17-31327496-C-G. GRCh37 (hg19) VCF-style: chr17-29654514-C-G.
Other names: c.5206-3C>G (NM_000267.3, NM_000267.4).
Identifiers: ClinVar variation 2858195 (VCV002858195.5), dbSNP rs2151540750, ClinGen allele CA2739267464.

ClinVar aggregate classification (germline): Conflicting classifications of pathogenicity. Review status: criteria provided, conflicting classifications (1 of 4 stars). 2 submissions from 2 submitters: Likely pathogenic (1); Uncertain significance (1). Last evaluated 2025-10-06.

Conditions:
Cardiovascular phenotype. Identifiers: MedGen CN230736.
Hereditary cancer-predisposing syndrome. Also called: Hereditary Cancer Syndrome; Hereditary neoplastic syndrome; Neoplastic Syndromes, Hereditary; Tumor predisposition. Identifiers: Orphanet 140162, MedGen C0027672, MeSH D009386, MONDO:0015356.
Neurofibromatosis, type 1 (NF1). Also called: VON RECKLINGHAUSEN DISEASE; Neurofibromatosis, type I; Peripheral type neurofibromatosis; NEUROFIBROMATOSIS, TYPE I, SOMATIC. Identifiers: Orphanet 636, MedGen C0027831, MONDO:0018975, OMIM 162200. Disease mechanism: loss of function.

Submissions (2):

Ambry Genetics
Classification: Likely pathogenic for Cardiovascular phenotype; Hereditary cancer-predisposing syndrome. Last evaluated: 2025-10-06. Review status: criteria provided, single submitter. Criteria: Ambry Variant Classification Scheme 2023. Collection method: clinical testing. Allele origin: germline.
Comment: The c.5206-3C>G intronic variant results from a C to G substitution 3 nucleotides upstream from coding exon 37 in the NF1 gene. This variant was reported in individual(s) with features consistent with Neurofibromatosis type1 (Ambry internal data). This nucleotide position is not well conserved in available vertebrate species. In silico splice site analysis predicts that this alteration may weaken the native splice acceptor site. RNA studies have demonstrated that this alteration results in abnormal splicing in the set of samples tested (Ambry internal data). This variant is considered to be rare based on population cohorts in the Genome Aggregation Database (gnomAD). Based on the majority of available evidence to date, this variant is likely to be pathogenic.

Labcorp Genetics (formerly Invitae), Labcorp
Classification: Uncertain significance for Neurofibromatosis, type 1. Last evaluated: 2023-05-01. Review status: criteria provided, single submitter. Criteria: Invitae Variant Classification Sherloc (09022015). Collection method: clinical testing. Allele origin: germline.
Comment: In summary, the available evidence is currently insufficient to determine the role of this variant in disease. Therefore, it has been classified as a Variant of Uncertain Significance. Variants that disrupt the consensus splice site are a relatively common cause of aberrant splicing (PMID: 17576681, 9536098). Algorithms developed to predict the effect of sequence changes on RNA splicing suggest that this variant may disrupt the consensus splice site. This variant has not been reported in the literature in individuals affected with NF1-related conditions. This variant is not present in population databases (gnomAD no frequency). This sequence change falls in intron 36 of the NF1 gene. It does not directly change the encoded amino acid sequence of the NF1 protein. It affects a nucleotide within the consensus splice site.

Literature cited by the submitters: PubMed 17576681 (cited by Labcorp Genetics (formerly Invitae), Labcorp); PubMed 9536098 (cited by Labcorp Genetics (formerly Invitae), Labcorp).